The following is an entry in ClinVar:

ClinVar aggregate classification (germline): Uncertain significance. Review status: criteria provided, multiple submitters, no conflicts (2 of 4 stars). 3 submissions from 3 submitters: Uncertain significance (3). Last evaluated 2026-09-23.

Conditions:
Tatton-Brown-Rahman overgrowth syndrome. Also called: Tall stature-intellectual disability-facial dysmorphism syndrome; Tatton-Brown-Rahman syndrome. Identifiers: Orphanet 404443, MedGen C4014545, MONDO:0014382, OMIM 615879.
Inborn genetic diseases. Identifiers: MedGen C0950123, MeSH D030342.
DNMT3A-related disorder. Also called: DNMT3A-related disorders; DNMT3A-related condition.

Allele frequency attached by ClinVar (database versions not stated): ExAC 0.00001; gnomAD 0.00003; gnomAD exomes 0.00003; TOPMed 0.00005; ESP Exome Variant Server 0.00023.
gnomAD v4.1: 47 of 1,613,882 alleles (0.0029%); highest among the groups gnomAD compares: Non-Finnish European, 0.0039%; no homozygotes.

Submissions (3):

PreventionGenetics, part of Exact Sciences
Classification: Uncertain significance for DNMT3A-related condition. Last evaluated: 2026-09-23. Review status: criteria provided, single submitter. Criteria: ACMG Guidelines, 2015. Collection method: clinical testing. Allele origin: germline.
Comment: The DNMT3A c.1114G>A variant is predicted to result in the amino acid substitution p.Val372Ile. To our knowledge, this variant has not been reported in the literature. This variant is reported in 0.0054% of alleles in individuals of European (non-Finnish) descent in gnomAD. At this time, the clinical significance of this variant is uncertain due to the absence of conclusive functional and genetic evidence.

Labcorp Genetics (formerly Invitae), Labcorp
Classification: Uncertain significance for Tatton-Brown-Rahman overgrowth syndrome. Last evaluated: 2026-01-26. Review status: criteria provided, single submitter. Criteria: Invitae Variant Classification Sherloc (09022015). Collection method: clinical testing. Allele origin: germline.
Comment: This sequence change replaces valine, which is neutral and non-polar, with isoleucine, which is neutral and non-polar, at codon 372 of the DNMT3A protein (p.Val372Ile). This variant is present in population databases (rs371677904, gnomAD 0.006%). This variant has not been reported in the literature in individuals affected with DNMT3A-related conditions. ClinVar contains an entry for this variant (Variation ID: 2076359). Invitae Evidence Modeling of protein sequence and biophysical properties (such as structural, functional, and spatial information, amino acid conservation, physicochemical variation, residue mobility, and thermodynamic stability) has been performed for this missense variant. However, the output from this modeling did not meet the statistical confidence thresholds required to predict the impact of this variant on DNMT3A protein function. In summary, the available evidence is currently insufficient to determine the role of this variant in disease. Therefore, it has been classified as a Variant of Uncertain Significance.

Ambry Genetics
Classification: Uncertain significance for Inborn genetic diseases. Last evaluated: 2021-03-26. Review status: criteria provided, single submitter. Criteria: Ambry Variant Classification Scheme 2023. Collection method: clinical testing. Allele origin: germline.
Comment: The c.1114G>A (p.V372I) alteration is located in exon 9 (coding exon 8) of the DNMT3A gene. This alteration results from a G to A substitution at nucleotide position 1114, causing the valine (V) at amino acid position 372 to be replaced by an isoleucine (I). The p.V372I alteration is predicted to be tolerated by in silico analysis. Based on insufficient or conflicting evidence, the clinical significance of this alteration remains unclear.

NM_022552.5(DNMT3A):c.1114G>A (p.Val372Ile)

Gene: DNMT3A (DNA methyltransferase 3 alpha; minus strand). Cytogenetic location: 2p23.3.
Variant type: single nucleotide variant.
Coding change: c.1114G>A on transcript NM_022552.5 (MANE Select); coding-DNA position 1114, G replaced by A.
Protein change: p.Val372Ile; replaces valine 372 with isoleucine.
Molecular consequence: missense variant. On other transcripts: non-coding transcript variant (1).
Genome position (GRCh38, 1-based): chr2:25,247,059, C>T on the plus strand (G>A on the coding strand, the complement: DNMT3A is on the minus strand). VCF-style: chr2-25247059-C-T. GRCh37 (hg19) VCF-style: chr2-25469928-C-T.
Other names: c.658G>A, p.Val220Ile (NM_001320893.1); c.445G>A, p.Val149Ile (NM_001375819.1); c.547G>A, p.Val183Ile (NM_153759.3); c.1114G>A, p.Val372Ile (NM_175629.2); short protein forms V183I, V372I, V149I, V220I.
Identifiers: ClinVar variation 2076359 (VCV002076359.7), dbSNP rs371677904, ClinGen allele CA1556163.